The following is an entry in ClinVar:

ClinVar aggregate classification (germline): Uncertain significance (1 of 4 stars; one submission).

Conditions:
Inborn genetic diseases. Identifiers: MedGen C0950123, MeSH D030342.

Submission:

Ambry Genetics
Classification: Uncertain significance for Inborn genetic diseases. Last evaluated: 2020-12-29. Review status: criteria provided, single submitter. Criteria: Ambry Variant Classification Scheme 2023. Collection method: clinical testing. Allele origin: germline.
Comment: The c.422A>T (p.N141I) alteration is located in exon 6 (coding exon 6) of the HACE1 gene. This alteration results from a A to T substitution at nucleotide position 422, causing the asparagine (N) at amino acid position 141 to be replaced by an isoleucine (I). The in silico prediction for the p.N141I alteration is inconclusive. Based on insufficient or conflicting evidence, the clinical significance of this alteration remains unclear.

NM_020771.4(HACE1):c.422A>T (p.Asn141Ile)

Gene: HACE1 (HECT domain and ankyrin repeat containing E3 ubiquitin protein ligase 1; minus strand). Cytogenetic location: 6q16.3.
Variant type: single nucleotide variant.
Coding change: c.422A>T on transcript NM_020771.4 (MANE Select); coding-DNA position 422, A replaced by T.
Protein change: p.Asn141Ile; replaces asparagine 141 with isoleucine.
Molecular consequence: missense variant. On other transcripts: initiator codon variant (3), 5 prime UTR variant (1), non-coding transcript variant (7), intron variant (5).
Genome position (GRCh38, 1-based): chr6:104,833,154, T>A on the plus strand (A>T on the coding strand, the complement: HACE1 is on the minus strand). VCF-style: chr6-104833154-T-A. GRCh37 (hg19) VCF-style: chr6-105281029-T-A.
Other names: c.320A>T, p.Asn107Ile (NM_001321083.2); c.1A>T, p.Met1Leu (NM_001321084.2, NM_001350557.2, NM_001350558.2); c.-65A>T (NM_001350556.2); c.326+15988A>T (NM_001350555.2); c.-250+15988A>T (NM_001350560.2); c.35+10069A>T (NM_001350559.2); c.402+10069A>T (NM_001321080.2); c.300+10069A>T (NM_001350554.2); short protein forms M1L, N107I, N141I.
Identifiers: ClinVar variation 2228107 (VCV002228107.3), dbSNP rs2483762514, ClinGen allele CA365135494.